The following is an entry in ClinVar:

ClinVar aggregate classification (germline): Uncertain significance (1 of 4 stars; one submission).

Submission:

GeneDx
Classification: Uncertain significance. Last evaluated: 2019-06-30. Review status: criteria provided, single submitter. Criteria: GeneDx Variant Classification Process June 2021. Collection method: clinical testing. Allele origin: germline. Affected: yes.
Comment: Not observed in large population cohorts (Lek et al., 2016); In silico analysis, which includes protein predictors and evolutionary conservation, supports a deleterious effect; Has not been previously published as pathogenic or benign to our knowledge; In silico analysis, which includes splice predictors and evolutionary conservation, suggests this variant may impact gene splicing. In the absence of RNA/functional studies, the actual effect of this sequence change is unknown.

NM_001321075.3(DLG4):c.1478G>C (p.Arg493Pro)

Gene: DLG4 (discs large MAGUK scaffold protein 4; minus strand). Cytogenetic location: 17p13.1.
Variant type: single nucleotide variant.
Coding change: c.1478G>C on transcript NM_001321075.3 (MANE Select); coding-DNA position 1478, G replaced by C.
Protein change: p.Arg493Pro; replaces arginine 493 with proline.
Molecular consequence: missense variant. On other transcripts: non-coding transcript variant (1).
Genome position (GRCh38, 1-based): chr17:7,194,319, C>G on the plus strand (G>C on the coding strand, the complement: DLG4 is on the minus strand). VCF-style: chr17-7194319-C-G. GRCh37 (hg19) VCF-style: chr17-7097638-C-G.
Other names: c.1469G>C, p.Arg490Pro (NM_001128827.4); c.1598G>C, p.Arg533Pro (NM_001321074.1); c.1298G>C, p.Arg433Pro (NM_001321076.3, NM_001321077.3); c.1607G>C, p.Arg536Pro (NM_001365.5); c.1397G>C, p.Arg466Pro (NM_001369566.3); short protein forms R433P, R466P, R490P, R493P, R533P, R536P.
Identifiers: ClinVar variation 1302124 (VCV001302124.2), dbSNP rs2142830500, ClinGen allele CA397715509.
Genomic context (GRCh38, chr17:7,194,319, plus strand): 5'-GGGGGACCTTGGGAACTTCAGTGCCTGTGGCAGGAAGGCTACAGAGCCCAGGAGCCTCAC[C>G]GCCGTTTGCTGGGGATGAACCCAATGTCGTCGGTCTCACTGTCAGAGTGGACCCGCCGTG-3'
Protein context (NP_001308004.1, residues 483-503): DDIGFIPSKR[Arg493Pro]VERREWSRLK